The following is an entry in ClinVar:

NM_001110556.2(FLNA):c.6359T>C (p.Phe2120Ser)

Gene: FLNA (filamin A; minus strand). Cytogenetic location: Xq28.
Variant type: single nucleotide variant.
Coding change: c.6359T>C on transcript NM_001110556.2 (MANE Select); coding-DNA position 6359, T replaced by C.
Protein change: p.Phe2120Ser; replaces phenylalanine 2120 with serine.
Molecular consequence: missense variant.
Genome position (GRCh38, 1-based): chrX:154,352,792, A>G on the plus strand (T>C on the coding strand, the complement: FLNA is on the minus strand). VCF-style: chrX-154352792-A-G. GRCh37 (hg19) VCF-style: chrX-153581160-A-G.
Other names: c.6335T>C, p.Phe2112Ser (NM_001456.4); short protein forms F2112S, F2120S.
Identifiers: ClinVar variation 3346553 (VCV003346553.1).

ClinVar aggregate classification (germline): Uncertain significance (0 of 4 stars; one submission).

Conditions:
FLNA-related disorder.

Submission:

PreventionGenetics, part of Exact Sciences
Classification: Uncertain significance for FLNA-related condition. Last evaluated: 2024-05-20. Review status: no assertion criteria provided. Collection method: clinical testing. Allele origin: germline.
Comment: The FLNA c.6359T>C variant is predicted to result in the amino acid substitution p.Phe2120Ser. To our knowledge, this variant has not been reported in the literature or in a large population database, indicating this variant is rare. At this time, the clinical significance of this variant is uncertain due to the absence of conclusive functional and genetic evidence.